The following is an entry in ClinVar:

ClinVar aggregate classification (germline): Likely pathogenic (1 of 4 stars; one submission).

Submission:

GeneDx
Classification: Likely pathogenic. Last evaluated: 2025-04-09. Review status: criteria provided, single submitter. Criteria: GeneDx Variant Classification Process June 2021. Collection method: clinical testing. Allele origin: germline.
Comment: Not observed at significant frequency in large population cohorts (gnomAD); In silico analysis supports a deleterious effect on splicing; Has not been previously published as pathogenic or benign to our knowledge

NM_001429.4(EP300):c.1622+4A>T

Gene: EP300 (EP300 lysine acetyltransferase; plus strand). Cytogenetic location: 22q13.2.
Variant type: single nucleotide variant.
Coding change: c.1622+4A>T on transcript NM_001429.4 (MANE Select); 4 bases into the intron after coding-DNA position 1622, A replaced by T.
Molecular consequence: intron variant.
Genome position (GRCh38, 1-based): chr22:41,135,910, A>T. VCF-style: chr22-41135910-A-T. GRCh37 (hg19) VCF-style: chr22-41531914-A-T.
Other names: c.1622+4A>T (NM_001362843.2).
Identifiers: ClinVar variation 2504712 (VCV002504712.2), dbSNP rs2518139308, ClinGen allele CA2580615320.
Genomic context (GRCh38, chr22:41,135,910, plus strand): 5'-TCAAACGCCGAGTCTTCTTTCTGACTCAATGTTGCATTCAGCCATAAATTCTCAAAAGTA[A>T]GTCTTAACGTGATTTATACCCTGGGTCACATTACAAATACTACTGGTTAACAATTCATTG-3'